The following is an entry in ClinVar:

NM_025144.4(ALPK1):c.256G>T (p.Ala86Ser)

Gene: ALPK1 (alpha kinase 1; plus strand). Cytogenetic location: 4q25.
Variant type: single nucleotide variant.
Coding change: c.256G>T on transcript NM_025144.4 (MANE Select); coding-DNA position 256, G replaced by T.
Protein change: p.Ala86Ser; replaces alanine 86 with serine.
Molecular consequence: missense variant. On other transcripts: intron variant (1).
Genome position (GRCh38, 1-based): chr4:112,382,532, G>T. VCF-style: chr4-112382532-G-T. GRCh37 (hg19) VCF-style: chr4-113303688-G-T.
Other names: c.256G>T, p.Ala86Ser (NM_001102406.2); c.42+4634G>T (NM_001253884.2); short protein forms A86S.
Identifiers: ClinVar variation 2655027 (VCV002655027.24), dbSNP rs773063913, ClinGen allele CA357988675.

ClinVar aggregate classification (germline): Uncertain significance (1 of 4 stars; one submission).

gnomAD v4.1: 5 of 1,614,120 alleles (0.00031%); highest among the groups gnomAD compares: East Asian, 0.0089%; no homozygotes.

Submission:

CeGaT Center for Human Genetics Tuebingen
Classification: Uncertain significance. Last evaluated: 2022-05-01. Review status: criteria provided, single submitter. Criteria: CeGaT Center For Human Genetics Tuebingen Variant Classification Criteria Version 2. Collection method: clinical testing. Allele origin: germline. Affected: yes. Observed: 1 variant allele.
Comment: ALPK1: PM2, BP4